The following is an entry in ClinVar:

ClinVar aggregate classification (germline): Uncertain significance (1 of 4 stars; one submission).

Allele frequency attached by ClinVar (database versions not stated): gnomAD exomes below 0.00001; TOPMed below 0.00001.
gnomAD v4.1: 1 of 1,604,972 alleles (0.000062%); highest among the groups gnomAD compares: Non-Finnish European, 0.000085%; no homozygotes.

Submission:

Labcorp Genetics (formerly Invitae), Labcorp
Classification: Uncertain significance. Last evaluated: 2022-09-24. Review status: criteria provided, single submitter. Criteria: Invitae Variant Classification Sherloc (09022015). Collection method: clinical testing. Allele origin: germline.
Comment: In summary, the available evidence is currently insufficient to determine the role of this variant in disease. Therefore, it has been classified as a Variant of Uncertain Significance. This sequence change replaces valine, which is neutral and non-polar, with methionine, which is neutral and non-polar, at codon 226 of the RELA protein (p.Val226Met). This variant is not present in population databases (gnomAD no frequency). This variant has not been reported in the literature in individuals affected with RELA-related conditions. ClinVar contains an entry for this variant (Variation ID: 1400768). Algorithms developed to predict the effect of missense changes on protein structure and function are either unavailable or do not agree on the potential impact of this missense change (SIFT: "Deleterious"; PolyPhen-2: "Probably Damaging"; Align-GVGD: "Class C0").

NM_021975.4(RELA):c.676G>A (p.Val226Met)

Gene: RELA (RELA proto-oncogene, NF-kB subunit; minus strand). Cytogenetic location: 11q13.1.
Variant type: single nucleotide variant.
Coding change: c.676G>A on transcript NM_021975.4 (MANE Select); coding-DNA position 676, G replaced by A.
Protein change: p.Val226Met; replaces valine 226 with methionine.
Molecular consequence: missense variant.
Genome position (GRCh38, 1-based): chr11:65,658,488, C>T on the plus strand (G>A on the coding strand, the complement: RELA is on the minus strand). VCF-style: chr11-65658488-C-T. GRCh37 (hg19) VCF-style: chr11-65425959-C-T.
Other names: c.667G>A, p.Val223Met (NM_001145138.2); c.676G>A, p.Val226Met (NM_001243984.2, NM_001243985.2); short protein forms V226M, V223M.
Identifiers: ClinVar variation 1400768 (VCV001400768.8), dbSNP rs1439805810, ClinGen allele CA381391453.